The following is an entry in ClinVar:

ClinVar aggregate classification (germline): Uncertain significance (1 of 4 stars; one submission).

Submission:

GeneDx
Classification: Uncertain significance. Last evaluated: 2022-11-10. Review status: criteria provided, single submitter. Criteria: GeneDx Variant Classification Process June 2021. Collection method: clinical testing. Allele origin: germline. Affected: yes.
Comment: Not observed at significant frequency in large population cohorts (gnomAD); In silico analysis supports that this missense variant does not alter protein structure/function; Has not been previously published as pathogenic or benign to our knowledge; Occurs in the triple helical domain at the X position in the canonical Gly-X-Y repeat; although this variant may have an effect on normal protein folding and function, missense substitution at the X position is not a common mechanism of disease (HGMD)

NM_001844.5(COL2A1):c.1262C>G (p.Ser421Cys)

Gene: COL2A1 (collagen type II alpha 1 chain; minus strand). Cytogenetic location: 12q13.11.
Variant type: single nucleotide variant.
Coding change: c.1262C>G on transcript NM_001844.5 (MANE Select); coding-DNA position 1262, C replaced by G.
Protein change: p.Ser421Cys; replaces serine 421 with cysteine.
Molecular consequence: missense variant.
Genome position (GRCh38, 1-based): chr12:47,987,273, G>C on the plus strand (C>G on the coding strand, the complement: COL2A1 is on the minus strand). VCF-style: chr12-47987273-G-C. GRCh37 (hg19) VCF-style: chr12-48381056-G-C.
Other names: c.1055C>G, p.Ser352Cys (NM_033150.3); short protein forms S352C, S421C.
Identifiers: ClinVar variation 2502024 (VCV002502024.1), dbSNP rs1939477298, ClinGen allele CA384554141.